The following is an entry in ClinVar:

NM_001458.5(FLNC):c.6431C>T (p.Ala2144Val)

Genes: FLNC (filamin C; plus strand), FLNC-AS1 (FLNC antisense RNA 1; minus strand). Cytogenetic location: 7q32.1.
Variant type: single nucleotide variant.
Coding change: c.6431C>T on transcript NM_001458.5 (MANE Select); coding-DNA position 6431, C replaced by T.
Protein change: p.Ala2144Val; replaces alanine 2144 with valine.
Molecular consequence: missense variant.
Genome position (GRCh38, 1-based): chr7:128,853,784, C>T. VCF-style: chr7-128853784-C-T. GRCh37 (hg19) VCF-style: chr7-128493838-C-T.
Other names: c.6332C>T, p.Ala2111Val (NM_001127487.2); short protein forms A2111V, A2144V.
Identifiers: ClinVar variation 4614198 (VCV004614198.1).

ClinVar aggregate classification (germline): Uncertain significance (1 of 4 stars; one submission).

Conditions:
Cardiovascular phenotype. Identifiers: MedGen CN230736.

Submission:

Ambry Genetics
Classification: Uncertain significance for Cardiovascular phenotype. Last evaluated: 2025-11-07. Review status: criteria provided, single submitter. Criteria: Ambry Variant Classification Scheme 2023. Collection method: clinical testing. Allele origin: germline.
Comment: The p.A2144V variant (also known as c.6431C>T), located in coding exon 39 of the FLNC gene, results from a C to T substitution at nucleotide position 6431. The alanine at codon 2144 is replaced by valine, an amino acid with similar properties. This amino acid position is conserved. In addition, this alteration is predicted to be deleterious by in silico analysis. Based on the available evidence, the clinical significance of this variant remains unclear.